The following is an entry in ClinVar:

NM_001201380.3(CNTNAP3B):c.1248A>G (p.Ser416=)

Gene: CNTNAP3B (contactin associated protein family member 3B; minus strand). Cytogenetic location: 9p11.2.
Variant type: single nucleotide variant.
Coding change: c.1248A>G on transcript NM_001201380.3 (MANE Select); coding-DNA position 1248, A replaced by G.
Protein change: p.Ser416=; no amino-acid change (serine 416 retained).
Molecular consequence: synonymous variant.
Genome position (GRCh38, 1-based): chr9:41,991,695, T>C on the plus strand (A>G on the coding strand, the complement: CNTNAP3B is on the minus strand). VCF-style: chr9-41991695-T-C. GRCh37 (hg19) VCF-style: chr9-43822694-A-G.
Identifiers: ClinVar variation 3905559 (VCV003905559.10).

ClinVar aggregate classification (germline): Likely benign (1 of 4 stars; one submission).

Submission:

CeGaT Center for Human Genetics Tuebingen
Classification: Likely benign. Last evaluated: 2025-05-01. Review status: criteria provided, single submitter. Criteria: CeGaT Center For Human Genetics Tuebingen Variant Classification Criteria Version 2. Collection method: clinical testing. Allele origin: germline. Affected: yes. Observed: 1 variant allele.
Comment: CNTNAP3B: PM2:Supporting, BP4, BP7